The following is an entry in ClinVar:

ClinVar aggregate classification (germline): Benign. Review status: criteria provided, multiple submitters, no conflicts (2 of 4 stars). 3 submissions from 3 submitters: Benign (2). 1 of the submissions does not count toward it. Last evaluated 2026-01-29.

Allele frequency attached by ClinVar (database versions not stated): gnomAD exomes 0.00844 and 0.01880; 1000 Genomes Project 0.05970; 1000 Genomes Project 30x 0.06043; ExAC 0.02030; gnomAD 0.03717 and 0.03800; TOPMed 0.04158; ESP Exome Variant Server 0.03384.
gnomAD v4.1: 18,474 of 1,613,668 alleles (1.1%); highest among the groups gnomAD compares: African/African-American, 11%; 736 homozygotes.

Submissions (3):

Labcorp Genetics (formerly Invitae), Labcorp
Classification: Benign. Last evaluated: 2026-01-29. Review status: criteria provided, single submitter. Criteria: Invitae Variant Classification Sherloc (09022015). Collection method: clinical testing. Allele origin: germline.

Breakthrough Genomics
Classification: Benign. Review status: criteria provided, single submitter. Criteria: ACMG Guidelines, 2015. Collection method: not provided. Allele origin: germline. Inheritance: Autosomal recessive inheritance. Affected: yes.

Genetic Services Laboratory, University of Chicago
Classification: Likely benign for AllHighlyPenetrant. Review status: no assertion criteria provided. Collection method: clinical testing. Allele origin: germline. Inheritance: Autosomal recessive inheritance. Not counted in ClinVar's aggregate classification.
Comment: Likely benign based on allele frequency in 1000 Genomes Project or ESP global frequency and its presence in a patient with a rare or unrelated disease phenotype. NOT Sanger confirmed.

NM_020987.5(ANK3):c.2565T>C (p.Asn855=)

Gene: ANK3 (ankyrin 3; minus strand). Cytogenetic location: 10q21.2.
Variant type: single nucleotide variant.
Coding change: c.2565T>C on transcript NM_020987.5 (MANE Select); coding-DNA position 2565, T replaced by C.
Protein change: p.Asn855=; no amino-acid change (asparagine 855 retained).
Molecular consequence: synonymous variant.
Genome position (GRCh38, 1-based): chr10:60,166,640, A>G on the plus strand (T>C on the coding strand, the complement: ANK3 is on the minus strand). VCF-style: chr10-60166640-A-G. GRCh37 (hg19) VCF-style: chr10-61926398-A-G.
Other names: c.2547T>C, p.Asn849= (NM_001204403.2); c.2514T>C, p.Asn838= (NM_001204404.2); c.2565T>C, p.Asn855= (NM_001320874.2).
Identifiers: ClinVar variation 128366 (VCV000128366.15), dbSNP rs10994234, ClinGen allele CA151781.